The following is an entry in ClinVar:

ClinVar aggregate classification (germline): Pathogenic (1 of 4 stars; one submission).

Conditions:
Ataxia-telangiectasia syndrome (AT). Also called: Cerebello-oculocutaneous telangiectasia; Immunodeficiency with ataxia telangiectasia; Ataxia-telangiectasia, complementation group E; LOUIS-BAR SYNDROME; Ataxia telangiectasia (A-T); AT, COMPLEMENTATION GROUP C. Identifiers: Orphanet 100, MedGen C0004135, MONDO:0008840, OMIM 208900.

Submission:

Labcorp Genetics (formerly Invitae), Labcorp
Classification: Pathogenic for Ataxia-telangiectasia syndrome. Last evaluated: 2023-11-24. Review status: criteria provided, single submitter. Criteria: Invitae Variant Classification Sherloc (09022015). Collection method: clinical testing. Allele origin: germline.
Comment: This sequence change creates a premature translational stop signal (p.Tyr1544*) in the ATM gene. It is expected to result in an absent or disrupted protein product. Loss-of-function variants in ATM are known to be pathogenic (PMID: 23807571, 25614872). This variant is not present in population databases (gnomAD no frequency). This variant has not been reported in the literature in individuals affected with ATM-related conditions. Algorithms developed to predict the effect of sequence changes on RNA splicing suggest that this variant may disrupt the consensus splice site. For these reasons, this variant has been classified as Pathogenic.

Literature cited by the submitters: PubMed 23807571; PubMed 25614872.

NM_000051.4(ATM):c.4632C>A (p.Tyr1544Ter)

Gene: ATM (ATM serine/threonine kinase; plus strand). Cytogenetic location: 11q22.3.
Variant type: single nucleotide variant.
Coding change: c.4632C>A on transcript NM_000051.4 (MANE Select); coding-DNA position 4632, C replaced by A.
Protein change: p.Tyr1544Ter; replaces tyrosine 1544 with a stop codon.
Molecular consequence: nonsense.
Genome position (GRCh38, 1-based): chr11:108,293,333, C>A. VCF-style: chr11-108293333-C-A. GRCh37 (hg19) VCF-style: chr11-108164060-C-A.
Other names: c.4632C>A, p.Tyr1544Ter (NM_001351834.2); short protein forms Y1544*.
Identifiers: ClinVar variation 2698427 (VCV002698427.3), dbSNP rs2135810212, ClinGen allele CA382534606.